The following is an entry in ClinVar:

NM_012062.5(DNM1L):c.1472T>A (p.Leu491Gln)

Gene: DNM1L (dynamin 1 like; plus strand). Cytogenetic location: 12p11.21.
Variant type: single nucleotide variant.
Coding change: c.1472T>A on transcript NM_012062.5 (MANE Select); coding-DNA position 1472, T replaced by A.
Protein change: p.Leu491Gln; replaces leucine 491 with glutamine.
Molecular consequence: missense variant.
Genome position (GRCh38, 1-based): chr12:32,733,740, T>A. VCF-style: chr12-32733740-T-A. GRCh37 (hg19) VCF-style: chr12-32886674-T-A.
Other names: c.1472T>A, p.Leu491Gln (NM_001278463.2, NM_005690.5, NM_012063.4); c.1511T>A, p.Leu504Gln (NM_001278464.2, NM_001278465.2, NM_001330380.2); c.863T>A, p.Leu288Gln (NM_001278466.2); short protein forms L288Q, L491Q, L504Q.
Identifiers: ClinVar variation 3370269 (VCV003370269.1).

ClinVar aggregate classification (germline): Uncertain significance (1 of 4 stars; one submission).

Submission:

GeneDx
Classification: Uncertain significance. Last evaluated: 2023-12-29. Review status: criteria provided, single submitter. Criteria: GeneDx Variant Classification Process June 2021. Collection method: clinical testing. Allele origin: germline. Affected: yes.
Comment: Not observed at significant frequency in large population cohorts (gnomAD); In silico analysis supports that this missense variant has a deleterious effect on protein structure/function; Has not been previously published as pathogenic or benign to our knowledge